The following is an entry in ClinVar:

NM_000088.4(COL1A1):c.2663C>T (p.Pro888Leu)

Gene: COL1A1 (collagen type I alpha 1 chain; minus strand). Cytogenetic location: 17q21.33.
Variant type: single nucleotide variant.
Coding change: c.2663C>T on transcript NM_000088.4 (MANE Select); coding-DNA position 2663, C replaced by T.
Protein change: p.Pro888Leu; replaces proline 888 with leucine.
Molecular consequence: missense variant.
Genome position (GRCh38, 1-based): chr17:50,189,683, G>A on the plus strand (C>T on the coding strand, the complement: COL1A1 is on the minus strand). VCF-style: chr17-50189683-G-A. GRCh37 (hg19) VCF-style: chr17-48267044-G-A.
Other names: short protein forms P888L.
Identifiers: ClinVar variation 4998219 (VCV004998219.1).

ClinVar aggregate classification (germline): Uncertain significance (1 of 4 stars; one submission).

Conditions:
COL1A1-related disorder. Also called: COL1A1- related disease; COL1A1-related condition.

Submission:

PreventionGenetics, part of Exact Sciences
Classification: Uncertain significance for COL1A1-related condition. Last evaluated: 2025-03-26. Review status: criteria provided, single submitter. Criteria: ACMG Guidelines, 2015. Collection method: clinical testing. Allele origin: germline.
Comment: The COL1A1 c.2663C>T variant is predicted to result in the amino acid substitution p.Pro888Leu. To our knowledge, this variant has not been reported in the literature or in a large population database (gnomAD), indicating this variant is rare. At this time, the clinical significance of this variant is uncertain due to the absence of conclusive functional and genetic evidence.